The following is an entry in ClinVar:

ClinVar aggregate classification (germline): Uncertain significance (1 of 4 stars; one submission).

Allele frequency attached by ClinVar (database versions not stated): gnomAD exomes below 0.00001.
gnomAD v4.1: 1 of 1,613,114 alleles (0.000062%); highest among the groups gnomAD compares: Admixed American, 0.0017%; no homozygotes.

Submission:

Labcorp Genetics (formerly Invitae), Labcorp
Classification: Uncertain significance. Last evaluated: 2022-11-15. Review status: criteria provided, single submitter. Criteria: Invitae Variant Classification Sherloc (09022015). Collection method: clinical testing. Allele origin: germline.
Comment: In summary, the available evidence is currently insufficient to determine the role of this variant in disease. Therefore, it has been classified as a Variant of Uncertain Significance. Algorithms developed to predict the effect of sequence changes on RNA splicing suggest that this variant may create or strengthen a splice site. This variant has not been reported in the literature in individuals affected with PRPF3-related conditions. This variant is not present in population databases (gnomAD no frequency). This sequence change falls in intron 5 of the PRPF3 gene. It does not directly change the encoded amino acid sequence of the PRPF3 protein.

NM_004698.4(PRPF3):c.507+12A>G

Gene: PRPF3 (pre-mRNA processing factor 3; plus strand). Cytogenetic location: 1q21.2.
Variant type: single nucleotide variant.
Coding change: c.507+12A>G on transcript NM_004698.4 (MANE Select); 12 bases into the intron after coding-DNA position 507, A replaced by G.
Molecular consequence: intron variant.
Genome position (GRCh38, 1-based): chr1:150,332,779, A>G. VCF-style: chr1-150332779-A-G. GRCh37 (hg19) VCF-style: chr1-150305250-A-G.
Other names: c.102+12A>G (NM_001350529.1).
Identifiers: ClinVar variation 2111217 (VCV002111217.4), dbSNP rs2525116411, ClinGen allele CA2572093258.